The following is an entry in ClinVar:

NM_001267550.2(TTN):c.9932_9935del (p.Thr3310_Cys3311insTer)

Gene: TTN (titin; minus strand). Cytogenetic location: 2q31.2.
Variant type: Deletion.
Coding change: c.9932_9935del on transcript NM_001267550.2 (MANE Select); coding-DNA positions 9932 to 9935, 4 bases deleted (GTGA; older notation c.9932_9935delGTGA).
Protein change: p.Thr3310_Cys3311insTer.
Molecular consequence: nonsense.
Genome position (GRCh38, 1-based): chr2:178,764,580-178,764,583, TCAC deleted on the plus strand (GTGA on the coding strand, the reverse complement: TTN is on the minus strand). VCF-style (leftmost placement, unchanged base first): chr2-178764579-TTCAC-T. GRCh37 (hg19) VCF-style: chr2-179629306-TTCAC-T.
Other names: c.9932_9935del, p.Thr3310_Cys3311insTer (NM_001256850.1, NM_133378.4, NM_133379.5); c.9794_9797del, p.Thr3264_Cys3265insTer (NM_003319.4, NM_133432.3, NM_133437.4).
Identifiers: ClinVar variation 937522 (VCV000937522.10), dbSNP rs2090019809, ClinGen allele CA1139657488.

ClinVar aggregate classification (germline): Likely pathogenic (1 of 4 stars; one submission).

Conditions:
Dilated cardiomyopathy 1G (CMD1G). Identifiers: Orphanet 154, MedGen C1858763, MONDO:0011400, OMIM 604145.
Autosomal recessive limb-girdle muscular dystrophy type 2J (LGMDR10). Also called: Limb-girdle muscular dystrophy, type 2J; MUSCULAR DYSTROPHY, LIMB-GIRDLE, AUTOSOMAL RECESSIVE 10. Identifiers: Orphanet 140922, MedGen C1837342, MONDO:0012127, OMIM 608807.

Submission:

Labcorp Genetics (formerly Invitae), Labcorp
Classification: Likely pathogenic for Dilated cardiomyopathy 1G; Autosomal recessive limb-girdle muscular dystrophy type 2J. Last evaluated: 2024-10-18. Review status: criteria provided, single submitter. Criteria: Invitae Variant Classification Sherloc (09022015). Collection method: clinical testing. Allele origin: germline.
Comment: This sequence change creates a premature translational stop signal (p.Cys3311*) in the TTN gene. While this is not anticipated to result in nonsense mediated decay, it is expected to create a truncated TTN protein. This variant is not present in population databases (gnomAD no frequency). This variant has not been reported in the literature in individuals affected with TTN-related conditions. ClinVar contains an entry for this variant (Variation ID: 937522). This variant is located in the I band of TTN (PMID: 25589632). Truncating variants in this region have been reported in individuals affected with autosomal recessive centronuclear myopathy (PMID: 23975875, internal data). Truncating variants in this region have also been identified in individuals affected with autosomal dominant dilated cardiomyopathy and/or cardio-related conditions (PMID: 27869827, 32964742, internal data). In summary, the currently available evidence indicates that the variant is pathogenic, but additional data are needed to prove that conclusively. Therefore, this variant has been classified as Likely Pathogenic.

Literature cited by the submitters: PubMed 25589632; PubMed 23975875; PubMed 27869827; PubMed 32964742.